The following is an entry in ClinVar:

ClinVar aggregate classification (germline): Uncertain significance. Review status: criteria provided, multiple submitters, no conflicts (2 of 4 stars). 2 submissions from 2 submitters: Uncertain significance (2). Last evaluated 2025-12-15.

gnomAD v4.1: 1 of 1,613,298 alleles (0.000062%); no homozygotes.

Submissions (2):

Labcorp Genetics (formerly Invitae), Labcorp
Classification: Uncertain significance. Last evaluated: 2025-12-15. Review status: criteria provided, single submitter. Criteria: Invitae Variant Classification Sherloc (09022015). Collection method: clinical testing. Allele origin: germline.
Comment: This sequence change replaces alanine, which is neutral and non-polar, with threonine, which is neutral and polar, at codon 831 of the COL11A1 protein (p.Ala831Thr). This variant is not present in population databases (gnomAD no frequency). This variant has not been reported in the literature in individuals affected with COL11A1-related conditions. ClinVar contains an entry for this variant (Variation ID: 1912290). Invitae Evidence Modeling of protein sequence and biophysical properties (such as structural, functional, and spatial information, amino acid conservation, physicochemical variation, residue mobility, and thermodynamic stability) indicates that this missense variant is not expected to disrupt COL11A1 protein function with a negative predictive value of 80%. In summary, the available evidence is currently insufficient to determine the role of this variant in disease. Therefore, it has been classified as a Variant of Uncertain Significance.

Blueprint Genetics
Classification: Uncertain significance. Last evaluated: 2021-07-26. Review status: criteria provided, single submitter. Criteria: ACMG Guidelines, 2015. Collection method: clinical testing. Allele origin: germline.

NM_001854.4(COL11A1):c.2491G>A (p.Ala831Thr)

Gene: COL11A1 (collagen type XI alpha 1 chain; minus strand). Cytogenetic location: 1p21.1.
Variant type: single nucleotide variant.
Coding change: c.2491G>A on transcript NM_001854.4 (MANE Select); coding-DNA position 2491, G replaced by A.
Protein change: p.Ala831Thr; replaces alanine 831 with threonine.
Molecular consequence: missense variant. On other transcripts: non-coding transcript variant (1).
Genome position (GRCh38, 1-based): chr1:102,987,644, C>T on the plus strand (G>A on the coding strand, the complement: COL11A1 is on the minus strand). VCF-style: chr1-102987644-C-T. GRCh37 (hg19) VCF-style: chr1-103453200-C-T.
Other names: c.2143G>A, p.Ala715Thr (NM_001168249.1, NM_080630.4); c.2374G>A, p.Ala792Thr (NM_001190709.2); c.2527G>A, p.Ala843Thr (NM_080629.3); short protein forms A792T, A715T, A831T, A843T.
Identifiers: ClinVar variation 1912290 (VCV001912290.6), dbSNP rs2101738084, ClinGen allele CA341165963.